The following is an entry in ClinVar:

GRCh38/hg38 8q24.3(chr8:139729118-139736310)x1

Gene: TRAPPC9 (trafficking protein particle complex subunit 9; minus strand). Cytogenetic location: 8q24.3.
Variant type: copy number loss.
Change: copy number 1 (one copy instead of two) of chr8:139,729,118-139,736,310 (7.2 kb, GRCh38 coordinates, 1-based), cytogenetic band 8q24.3.
Identifiers: ClinVar variation 3571459 (VCV003571459.1).

ClinVar aggregate classification (germline): Likely pathogenic (1 of 4 stars; one submission).

Conditions:
Intellectual developmental disorder, autosomal recessive 13. Also called: Intellectual disability, autosomal recessive 13. Identifiers: Orphanet 88616, MedGen C2750791, MONDO:0013173, OMIM 613192.

Submission:

Broad Center for Mendelian Genomics, Broad Institute of MIT and Harvard
Classification: Likely pathogenic for Intellectual developmental disorder, autosomal recessive 13. Last evaluated: 2024-12-09. Review status: criteria provided, single submitter. Criteria: ACMG/ClinGen CNV Guidelines, 2019. Collection method: research. Allele origin: paternal. Inheritance: Autosomal recessive inheritance. Affected: yes. Study: GREGoR Consortium.
Comment: The patient phenotype is nonspecific, but is consistent with cases described in the literature. This deletion overlaps with the 3’ end of the TRAPPC9 gene, including coding sequence. This alteration is then predicted to lead to a truncated or absent protein. Loss of function of the TRAPPC9 gene is an established disease mechanism in autosomal recessive intellectual disability-obesity-brain malformations-facial dysmorphism syndrome. In summary, although additional studies are required to fully establish its clinical significance, this variant is likely pathogenic for autosomal recessive disability-obesity-brain malformations-facial dysmorphism syndrome. The ACMG/ClinGen evidence codes and points used in this curation are as follows: 1: 0 points, 2: 0.9 points, 3: 0 points, 4-5: 0 points; Total: 0.9 point; Riggs 2020 (PMID: 31690835).